The following is an entry in ClinVar:

ClinVar aggregate classification (germline): Uncertain significance (1 of 4 stars; one submission).

Allele frequency attached by ClinVar (database versions not stated): gnomAD 0.00001; TOPMed 0.00001.
gnomAD v4.1: 1 of 1,613,178 alleles (0.000062%); highest among the groups gnomAD compares: African/African-American, 0.0013%; no homozygotes.

Submission:

Labcorp Genetics (formerly Invitae), Labcorp
Classification: Uncertain significance. Last evaluated: 2025-08-18. Review status: criteria provided, single submitter. Criteria: Invitae Variant Classification Sherloc (09022015). Collection method: clinical testing. Allele origin: germline.
Comment: This sequence change replaces aspartic acid, which is acidic and polar, with asparagine, which is neutral and polar, at codon 178 of the CASQ1 protein (p.Asp178Asn). This variant is not present in population databases (gnomAD no frequency). This variant has not been reported in the literature in individuals affected with CASQ1-related conditions. ClinVar contains an entry for this variant (Variation ID: 1941979). Invitae Evidence Modeling of protein sequence and biophysical properties (such as structural, functional, and spatial information, amino acid conservation, physicochemical variation, residue mobility, and thermodynamic stability) indicates that this missense variant is not expected to disrupt CASQ1 protein function with a negative predictive value of 80%. In summary, the available evidence is currently insufficient to determine the role of this variant in disease. Therefore, it has been classified as a Variant of Uncertain Significance.

NM_001231.5(CASQ1):c.532G>A (p.Asp178Asn)

Gene: CASQ1 (calsequestrin 1; plus strand). Cytogenetic location: 1q23.2.
Variant type: single nucleotide variant.
Coding change: c.532G>A on transcript NM_001231.5 (MANE Select); coding-DNA position 532, G replaced by A.
Protein change: p.Asp178Asn; replaces aspartic acid 178 with asparagine.
Molecular consequence: missense variant.
Genome position (GRCh38, 1-based): chr1:160,195,078, G>A. VCF-style: chr1-160195078-G-A. GRCh37 (hg19) VCF-style: chr1-160164868-G-A.
Other names: short protein forms D178N.
Identifiers: ClinVar variation 1941979 (VCV001941979.5), dbSNP rs1268518553, ClinGen allele CA343256645.